The following is an entry in ClinVar:

ClinVar aggregate classification (germline): Benign/Likely benign. Review status: criteria provided, multiple submitters, no conflicts (2 of 4 stars). 7 submissions from 7 submitters: Benign (3); Likely benign (4). Last evaluated 2026-01-26.

Conditions:
Early-infantile DEE. Also called: Ohtahara syndrome; Early infantile epileptic encephalopathy; Early infantile epileptic encephalopathy with suppression bursts. Identifiers: Orphanet 1934, MedGen C0393706, MONDO:0800491.
Inborn genetic diseases. Identifiers: MedGen C0950123, MeSH D030342.

Allele frequency attached by ClinVar (database versions not stated): gnomAD exomes 0.00014 and 0.00037; ExAC 0.00054; gnomAD 0.00137 and 0.00145; TOPMed 0.00153; ESP Exome Variant Server 0.00154; 1000 Genomes Project 0.00180; 1000 Genomes Project 30x 0.00187.
gnomAD v4.1: 409 of 1,608,106 alleles (0.025%); highest among the groups gnomAD compares: African/African-American, 0.47%; no homozygotes.

Submissions (7):

Labcorp Genetics (formerly Invitae), Labcorp
Classification: Benign for Early-infantile DEE. Last evaluated: 2026-01-26. Review status: criteria provided, single submitter. Criteria: Invitae Variant Classification Sherloc (09022015). Collection method: clinical testing. Allele origin: germline.

Mayo Clinic Laboratories, Mayo Clinic
Classification: Likely benign. Last evaluated: 2025-05-09. Review status: criteria provided, single submitter. Criteria: ACMG Guidelines, 2015. Collection method: clinical testing. Allele origin: germline. Observed: 1 variant allele.
Comment: BS1, BP4, BP7

Blueprint Genetics
Classification: Likely benign. Last evaluated: 2024-10-09. Review status: criteria provided, single submitter. Criteria: ACMG Guidelines, 2015. Collection method: clinical testing. Allele origin: germline.

Eurofins Ntd Llc (ga)
Classification: Benign. Last evaluated: 2018-01-12. Review status: criteria provided, single submitter. Criteria: EGL Classification Definitions 2015. Collection method: clinical testing. Allele origin: germline. Observed: 2 variant alleles, 2 heterozygotes.

Ambry Genetics
Classification: Likely benign for Inborn genetic diseases. Last evaluated: 2016-07-25. Review status: criteria provided, single submitter. Criteria: Ambry Variant Classification Scheme 2023. Collection method: clinical testing. Allele origin: germline.

GeneDx
Classification: Benign. Last evaluated: 2013-07-25. Review status: criteria provided, single submitter. Criteria: GeneDx Variant Classification (06012015). Collection method: clinical testing. Allele origin: germline. Affected: yes.
Comment: This variant is considered likely benign or benign based on one or more of the following criteria: it is a conservative change, it occurs at a poorly conserved position in the protein, it is predicted to be benign by multiple in silico algorithms, and/or has population frequency not consistent with disease.

Breakthrough Genomics
Classification: Likely benign. Review status: criteria provided, single submitter. Criteria: ACMG Guidelines, 2015. Collection method: not provided. Allele origin: germline. Inheritance: Autosomal dominant inheritance. Affected: yes.

NM_172107.4(KCNQ2):c.570C>T (p.Asn190=)

Gene: KCNQ2 (potassium voltage-gated channel subfamily Q member 2; minus strand). Cytogenetic location: 20q13.33.
Variant type: single nucleotide variant.
Coding change: c.570C>T on transcript NM_172107.4 (MANE Select); coding-DNA position 570, C replaced by T.
Protein change: p.Asn190=; no amino-acid change (asparagine 190 retained).
Molecular consequence: synonymous variant.
Genome position (GRCh38, 1-based): chr20:63,444,779, G>A on the plus strand (C>T on the coding strand, the complement: KCNQ2 is on the minus strand). VCF-style: chr20-63444779-G-A. GRCh37 (hg19) VCF-style: chr20-62076132-G-A.
Other names: p.N190N:AAC>AAT; p.Asn190=; c.570C>T, p.Asn190= (NM_004518.6, NM_172106.3, NM_172108.5 and 1 more transcripts).
Identifiers: ClinVar variation 138015 (VCV000138015.24), dbSNP rs116087798, ClinGen allele CA291783.
Genomic context (GRCh38, chr20:63,444,779, plus strand): 5'-GCGGATCATCCGCAGAATCTGCAGGAAGCGCAGGCTCCGGAGCGCAGATGTGGCAAAGAC[G>A]TTGCCCTGGGAGCCGGCGGCCAGCACCGCAATGGAGGCGATGAGCACCATGATGTCTACA-3'
Protein context (NP_742105.1, residues 180-200): IAVLAAGSQG[Asn190=]VFATSALRSL